The following is an entry in ClinVar:

ClinVar aggregate classification (germline): Uncertain significance (1 of 4 stars; one submission).

gnomAD v4.1: 6 of 1,613,076 alleles (0.00037%); highest among the groups gnomAD compares: East Asian, 0.0022%; no homozygotes.

Submission:

Labcorp Genetics (formerly Invitae), Labcorp
Classification: Uncertain significance. Last evaluated: 2024-10-12. Review status: criteria provided, single submitter. Criteria: Invitae Variant Classification Sherloc (09022015). Collection method: clinical testing. Allele origin: germline.
Comment: This sequence change replaces asparagine, which is neutral and polar, with serine, which is neutral and polar, at codon 40 of the NOG protein (p.Asn40Ser). This variant is not present in population databases (gnomAD no frequency). This variant has not been reported in the literature in individuals affected with NOG-related conditions. An algorithm developed to predict the effect of missense changes on protein structure and function (PolyPhen-2) suggests that this variant is likely to be tolerated. In summary, the available evidence is currently insufficient to determine the role of this variant in disease. Therefore, it has been classified as a Variant of Uncertain Significance.

NM_005450.6(NOG):c.119A>G (p.Asn40Ser)

Gene: NOG (noggin; plus strand). Cytogenetic location: 17q22.
Variant type: single nucleotide variant.
Coding change: c.119A>G on transcript NM_005450.6 (MANE Select); coding-DNA position 119, A replaced by G.
Protein change: p.Asn40Ser; replaces asparagine 40 with serine.
Molecular consequence: missense variant.
Genome position (GRCh38, 1-based): chr17:56,594,342, A>G. VCF-style: chr17-56594342-A-G. GRCh37 (hg19) VCF-style: chr17-54671703-A-G.
Other names: short protein forms N40S.
Identifiers: ClinVar variation 3674245 (VCV003674245.2).
Genomic context (GRCh38, chr17:56,594,342, plus strand): 5'-TGCGGGCGACACCGGCCGGCGGCCAGCACTATCTCCACATCCGCCCGGCACCCAGCGACA[A>G]CCTGCCCCTGGTGGACCTCATCGAACACCCAGACCCTATCTTTGACCCCAAGGAAAAGGA-3'
Protein context (NP_005441.1, residues 30-50): YLHIRPAPSD[Asn40Ser]LPLVDLIEHP